The following is an entry in ClinVar:

ClinVar aggregate classification (germline): Likely benign. Review status: criteria provided, multiple submitters, no conflicts (2 of 4 stars). 3 submissions from 3 submitters: Likely benign (3). Last evaluated 2025-10-27.

Conditions:
Familial thoracic aortic aneurysm and aortic dissection (TAAD). Also called: Thoracic aortic aneurysms and dissections. Identifiers: Orphanet 91387, MedGen C4707243, MONDO:0019625.
HYPERHOMOCYSTEINEMIA, THROMBOTIC, CBS-RELATED. Identifiers: MedGen C3150344, OMIM 236200.

Allele frequency attached by ClinVar (database versions not stated): gnomAD exomes 0.00001; ExAC 0.00002.

Submissions (3):

Ambry Genetics
Classification: Likely benign for Familial thoracic aortic aneurysm and aortic dissection. Last evaluated: 2025-10-27. Review status: criteria provided, single submitter. Criteria: Ambry Variant Classification Scheme 2023. Collection method: clinical testing. Allele origin: germline.

Labcorp Genetics (formerly Invitae), Labcorp
Classification: Likely benign for HYPERHOMOCYSTEINEMIA, THROMBOTIC, CBS-RELATED. Last evaluated: 2023-12-13. Review status: criteria provided, single submitter. Criteria: Invitae Variant Classification Sherloc (09022015). Collection method: clinical testing. Allele origin: germline.

GeneDx
Classification: Likely benign. Last evaluated: 2015-11-11. Review status: criteria provided, single submitter. Criteria: GeneDx Variant Classification (06012015). Collection method: clinical testing. Allele origin: germline. Affected: yes.
Comment: This variant is considered likely benign or benign based on one or more of the following criteria: it is a conservative change, it occurs at a poorly conserved position in the protein, it is predicted to be benign by multiple in silico algorithms, and/or has population frequency not consistent with disease.

NM_000071.3(CBS):c.144T>G (p.Ala48=)

Gene: CBS (cystathionine beta-synthase; minus strand). Cytogenetic location: 21q22.3.
Variant type: single nucleotide variant.
Coding change: c.144T>G on transcript NM_000071.3 (MANE Select); coding-DNA position 144, T replaced by G.
Protein change: p.Ala48=; no amino-acid change (alanine 48 retained).
Molecular consequence: synonymous variant.
Genome position (GRCh38, 1-based): chr21:43,072,050, A>C on the plus strand (T>G on the coding strand, the complement: CBS is on the minus strand). VCF-style: chr21-43072050-A-C. GRCh37 (hg19) VCF-style: chr21-44492160-A-C.
Other names: c.144T>G, p.Ala48= (NM_001178008.3, NM_001178009.3, NM_001320298.2).
Identifiers: ClinVar variation 381374 (VCV000381374.14), dbSNP rs770839773, ClinGen allele CA16609067.